The following is an entry in ClinVar:

ClinVar aggregate classification (germline): Uncertain significance. Review status: criteria provided, multiple submitters, no conflicts (2 of 4 stars). 6 submissions from 5 submitters: Uncertain significance (4). 2 of the submissions do not count toward it. Last evaluated 2024-10-15.

Conditions:
Histiocytic medullary reticulosis. Also called: SEVERE COMBINED IMMUNODEFICIENCY WITH HYPEREOSINOPHILIA; Omenn syndrome. Identifiers: Orphanet 39041, MedGen C2700553, MONDO:0011338, OMIM 603554.
RAG2-related disorder. Also called: RAG2-related condition.
Severe combined immunodeficiency, autosomal recessive, T cell-negative, B cell-negative, NK cell-positive. Also called: SCID, T CELL-NEGATIVE, B CELL-NEGATIVE, NK CELL-POSITIVE; Severe combined immunodeficiency due to complete RAG1/2 deficiency; SCID, AR, T-cell negative, B-cell negative, NK cell-positive. Identifiers: Orphanet 331206, MedGen C1832322, MONDO:0011086, OMIM 601457.
Combined immunodeficiency with skin granulomas. Identifiers: Orphanet 157949, MedGen C2673536, MONDO:0009306, OMIM 233650.

Allele frequency attached by ClinVar (database versions not stated): gnomAD exomes 0.00054 and 0.00089; gnomAD 0.00056 and 0.00058; ExAC 0.00065; ESP Exome Variant Server 0.00085; 1000 Genomes Project 30x 0.00016; 1000 Genomes Project 0.00020; TOPMed 0.00043.

Submissions (6):

Blueprint Genetics
Classification: Uncertain significance. Last evaluated: 2024-10-15. Review status: criteria provided, single submitter. Criteria: ACMG Guidelines, 2015. Collection method: clinical testing. Allele origin: germline.

Labcorp Genetics (formerly Invitae), Labcorp
Classification: Uncertain significance for Combined immunodeficiency with skin granulomas; Severe combined immunodeficiency, autosomal recessive, T cell-negative, B cell-negative, NK cell-positive. Last evaluated: 2022-11-01. Review status: criteria provided, single submitter. Criteria: Invitae Variant Classification Sherloc (09022015). Collection method: clinical testing. Allele origin: germline.
Comment: This sequence change replaces aspartic acid, which is acidic and polar, with histidine, which is basic and polar, at codon 400 of the RAG2 protein (p.Asp400His). This variant is present in population databases (rs140682926, gnomAD 0.09%), and has an allele count higher than expected for a pathogenic variant. This missense change has been observed in individual(s) with combined immunodeficiency (CID) (PMID: 28769923). ClinVar contains an entry for this variant (Variation ID: 469117). Advanced modeling of protein sequence and biophysical properties (such as structural, functional, and spatial information, amino acid conservation, physicochemical variation, residue mobility, and thermodynamic stability) performed at Invitae indicates that this missense variant is expected to disrupt RAG2 protein function. Experimental studies have shown that this missense change affects RAG2 function (PMID: 23994475). In summary, the available evidence is currently insufficient to determine the role of this variant in disease. Therefore, it has been classified as a Variant of Uncertain Significance.

Illumina Laboratory Services, Illumina
Classification: Uncertain significance for Histiocytic medullary reticulosis. Last evaluated: 2017-07-11. Review status: criteria provided, single submitter. Criteria: ICSL Variant Classification Criteria 13 December 2019. Collection method: clinical testing. Allele origin: germline.
Comment: This variant was observed as part of a predisposition screen in an ostensibly healthy population. A literature search was performed for the gene, cDNA change, and amino acid change (where applicable). Publications were found based on this search. However, the evidence from the literature, in combination with allele frequency data from public databases where available, was not sufficient to rule this variant in or out of causing disease. Therefore, this variant is classified as a variant of unknown significance.

Illumina Laboratory Services, Illumina
Classification: Uncertain significance for Severe combined immunodeficiency, autosomal recessive, T cell-negative, B cell-negative, NK cell-positive. Last evaluated: 2017-07-11. Review status: criteria provided, single submitter. Criteria: ICSL Variant Classification Criteria 13 December 2019. Collection method: clinical testing. Allele origin: germline.
Comment: the same text as in the submission from Illumina Laboratory Services, Illumina above.

PreventionGenetics, part of Exact Sciences
Classification: Uncertain significance for RAG2-related condition. Last evaluated: 2023-11-07. Review status: no assertion criteria provided. Collection method: clinical testing. Allele origin: germline. Not counted in ClinVar's aggregate classification.
Comment: The RAG2 c.1198G>C variant is predicted to result in the amino acid substitution p.Asp400His. To our knowledge, this variant has not been reported in the literature. This variant is reported in 0.094% of alleles in individuals of European (Non-Finnish) descent in gnomAD. At this time, the clinical significance of this variant is uncertain due to the absence of conclusive functional and genetic evidence.

Natera, Inc.
Classification: Uncertain significance for Omenn syndrome. Last evaluated: 2020-09-16. Review status: no assertion criteria provided. Collection method: clinical testing. Allele origin: germline. Not counted in ClinVar's aggregate classification.

Literature cited by the submitters: PubMed 28769923 (cited by Labcorp Genetics (formerly Invitae), Labcorp); PubMed 23994475 (cited by Labcorp Genetics (formerly Invitae), Labcorp and Illumina Laboratory Services, Illumina).

NM_000536.4(RAG2):c.1198G>C (p.Asp400His)

Gene: RAG2 (recombination activating 2; minus strand). Cytogenetic location: 11p12.
Variant type: single nucleotide variant.
Coding change: c.1198G>C on transcript NM_000536.4 (MANE Select); coding-DNA position 1198, G replaced by C.
Protein change: p.Asp400His; replaces aspartic acid 400 with histidine.
Molecular consequence: missense variant.
Genome position (GRCh38, 1-based): chr11:36,592,971, C>G on the plus strand (G>C on the coding strand, the complement: RAG2 is on the minus strand). VCF-style: chr11-36592971-C-G. GRCh37 (hg19) VCF-style: chr11-36614521-C-G.
Other names: c.1198G>C, p.Asp400His (NM_001243785.2, NM_001243786.2); short protein forms D400H.
Identifiers: ClinVar variation 469117 (VCV000469117.14), dbSNP rs140682926, ClinGen allele CA5950451.
Genomic context (GRCh38, chr11:36,592,971, plus strand): 5'-AGCATGTAATCCAGTAGCCTGTCTCAGACTCATCTTCTTCATCATCTTCATTATAGGTGT[C>G]AAATTCATCATCACCATCAAAACTATTTGCTTCTGCACTGAAACAAAATTCTTCAGAGTC-3'
Protein context (NP_000527.2, residues 390-410): ANSFDGDDEF[Asp400His]TYNEDDEEDE